The following is an entry in ClinVar:

NM_000059.4(BRCA2):c.9806G>T (p.Arg3269Ile)

Gene: BRCA2 (BRCA2 DNA repair associated; plus strand). Cytogenetic location: 13q13.1.
Variant type: single nucleotide variant.
Coding change: c.9806G>T on transcript NM_000059.4 (MANE Select); coding-DNA position 9806, G replaced by T.
Protein change: p.Arg3269Ile; replaces arginine 3269 with isoleucine.
Molecular consequence: missense variant.
Genome position (GRCh38, 1-based): chr13:32,398,319, G>T. VCF-style: chr13-32398319-G-T. GRCh37 (hg19) VCF-style: chr13-32972456-G-T.
Other names: short protein forms R3269I.
Identifiers: ClinVar variation 1023314 (VCV001023314.12), dbSNP rs80359243, ClinGen allele CA387766102.

ClinVar aggregate classification (germline): Uncertain significance. Review status: criteria provided, multiple submitters, no conflicts (2 of 4 stars). 3 submissions from 3 submitters: Uncertain significance (3). Last evaluated 2025-08-25.

Conditions:
Hereditary breast ovarian cancer syndrome. Also called: Breast and ovarian cancer; Hereditary breast and ovarian cancer syndrome (HBOC); Hereditary breast and ovarian cancer; Hereditary breast and/or ovarian cancer syndrome; BRCA1- and BRCA2-Associated Hereditary Breast and Ovarian Cancer; Hereditary breast and ovarian cancer syndrome. Identifiers: Orphanet 145, MedGen C0677776, MeSH D061325, MONDO:0003582. Disease mechanism: loss of function.
Hereditary cancer-predisposing syndrome. Also called: Hereditary Cancer Syndrome; Neoplastic Syndromes, Hereditary; Tumor predisposition; Hereditary neoplastic syndrome. Identifiers: Orphanet 140162, MedGen C0027672, MeSH D009386, MONDO:0015356.

Submissions (3):

Ambry Genetics
Classification: Uncertain significance for Hereditary cancer-predisposing syndrome. Last evaluated: 2025-08-25. Review status: criteria provided, single submitter. Criteria: Ambry Variant Classification Scheme 2023. Collection method: clinical testing. Allele origin: germline.
Comment: The p.R3269I variant (also known as c.9806G>T), located in coding exon 26 of the BRCA2 gene, results from a G to T substitution at nucleotide position 9806. The arginine at codon 3269 is replaced by isoleucine, an amino acid with similar properties. This amino acid position is conserved. In addition, this alteration is predicted to be tolerated by in silico analysis. Based on the available evidence, the clinical significance of this variant remains unclear.

Color Diagnostics, LLC DBA Color Health
Classification: Uncertain significance for Hereditary cancer-predisposing syndrome. Last evaluated: 2021-04-19. Review status: criteria provided, single submitter. Criteria: ACMG Guidelines, 2015. Collection method: clinical testing. Allele origin: germline.
Comment: This missense variant replaces arginine with isoleucine at codon 3269 of the BRCA2 protein. Computational prediction suggests that this variant may not impact protein structure and function (internally defined REVEL score threshold <= 0.5, PMID: 27666373). To our knowledge, functional studies have not been reported for this variant. This variant has not been reported in individuals affected with hereditary cancer in the literature. This variant has not been identified in the general population by the Genome Aggregation Database (gnomAD). The available evidence is insufficient to determine the role of this variant in disease conclusively. Therefore, this variant is classified as a Variant of Uncertain Significance.

Labcorp Genetics (formerly Invitae), Labcorp
Classification: Uncertain significance for Hereditary breast ovarian cancer syndrome. Last evaluated: 2018-06-12. Review status: criteria provided, single submitter. Criteria: Invitae Variant Classification Sherloc (09022015). Collection method: clinical testing. Allele origin: germline.
Comment: This sequence change replaces arginine with isoleucine at codon 3269 of the BRCA2 protein (p.Arg3269Ile). The arginine residue is moderately conserved and there is a moderate physicochemical difference between arginine and isoleucine. In summary, the available evidence is currently insufficient to determine the role of this variant in disease. Therefore, it has been classified as a Variant of Uncertain Significance. Algorithms developed to predict the effect of missense changes on protein structure and function (SIFT, PolyPhen-2, Align-GVGD) all suggest that this variant is likely to be disruptive, but these predictions have not been confirmed by published functional studies and their clinical significance is uncertain. This variant has not been reported in the literature in individuals with BRCA2-related disease. This variant is not present in population databases (ExAC no frequency).